The following is an entry in ClinVar:

ClinVar aggregate classification (germline): Uncertain significance. Review status: criteria provided, multiple submitters, no conflicts (2 of 4 stars). 2 submissions from 2 submitters: Uncertain significance (2). Last evaluated 2025-08-22.

Conditions:
Inborn genetic diseases. Identifiers: MedGen C0950123, MeSH D030342.

Allele frequency attached by ClinVar (database versions not stated): gnomAD 0.00001; TOPMed 0.00001.
gnomAD v4.1: 2 of 1,613,522 alleles (0.00012%); highest among the groups gnomAD compares: African/African-American, 0.0027%; no homozygotes.

Submissions (2):

Ambry Genetics
Classification: Uncertain significance for Inborn genetic diseases. Last evaluated: 2025-08-22. Review status: criteria provided, single submitter. Criteria: Ambry Variant Classification Scheme 2023. Collection method: clinical testing. Allele origin: germline.

Labcorp Genetics (formerly Invitae), Labcorp
Classification: Uncertain significance. Last evaluated: 2023-11-06. Review status: criteria provided, single submitter. Criteria: Invitae Variant Classification Sherloc (09022015). Collection method: clinical testing. Allele origin: germline.
Comment: This sequence change replaces serine, which is neutral and polar, with cysteine, which is neutral and slightly polar, at codon 1679 of the CHD8 protein (p.Ser1679Cys). This variant is not present in population databases (gnomAD no frequency). This variant has not been reported in the literature in individuals affected with CHD8-related conditions. An algorithm developed to predict the effect of missense changes on protein structure and function (PolyPhen-2) suggests that this variant is likely to be disruptive. In summary, the available evidence is currently insufficient to determine the role of this variant in disease. Therefore, it has been classified as a Variant of Uncertain Significance.

NM_001170629.2(CHD8):c.5036C>G (p.Ser1679Cys)

Gene: CHD8 (chromodomain helicase DNA binding protein 8; minus strand). Cytogenetic location: 14q11.2.
Variant type: single nucleotide variant.
Coding change: c.5036C>G on transcript NM_001170629.2 (MANE Select); coding-DNA position 5036, C replaced by G.
Protein change: p.Ser1679Cys; replaces serine 1679 with cysteine.
Molecular consequence: missense variant.
Genome position (GRCh38, 1-based): chr14:21,397,838, G>C on the plus strand (C>G on the coding strand, the complement: CHD8 is on the minus strand). VCF-style: chr14-21397838-G-C. GRCh37 (hg19) VCF-style: chr14-21865997-G-C.
Other names: c.5036C>G (NM_001170629.1); c.4199C>G, p.Ser1400Cys (NM_020920.4); short protein forms S1400C, S1679C.
Identifiers: ClinVar variation 3003576 (VCV003003576.4), dbSNP rs1029806535, ClinGen allele CA257596615.